The following is an entry in ClinVar:

ClinVar aggregate classification (germline): Uncertain significance (1 of 4 stars; one submission).

Conditions:
Sulfite oxidase deficiency. Also called: Isolated sulfite oxidase deficiency. Identifiers: Orphanet 833, Orphanet 99731, MedGen C0268624, MONDO:0010089, OMIM 272300, HP:0003643.

Allele frequency attached by ClinVar (database versions not stated): ExAC 0.00001; gnomAD 0.00001; gnomAD exomes 0.00001 and 0.00003; TOPMed 0.00002.
gnomAD v4.1: 42 of 1,613,986 alleles (0.0026%); highest among the groups gnomAD compares: African/African-American, 0.0053%; no homozygotes.

Submission:

Labcorp Genetics (formerly Invitae), Labcorp
Classification: Uncertain significance for Sulfite oxidase deficiency. Last evaluated: 2022-08-22. Review status: criteria provided, single submitter. Criteria: Invitae Variant Classification Sherloc (09022015). Collection method: clinical testing. Allele origin: germline.
Comment: This sequence change replaces arginine, which is basic and polar, with cysteine, which is neutral and slightly polar, at codon 481 of the SUOX protein (p.Arg481Cys). This variant is present in population databases (rs757904644, gnomAD 0.007%). This variant has not been reported in the literature in individuals affected with SUOX-related conditions. ClinVar contains an entry for this variant (Variation ID: 1026186). Algorithms developed to predict the effect of missense changes on protein structure and function output the following: SIFT: "Tolerated"; PolyPhen-2: "Benign"; Align-GVGD: "Class C0". The cysteine amino acid residue is found in multiple mammalian species, which suggests that this missense change does not adversely affect protein function. In summary, the available evidence is currently insufficient to determine the role of this variant in disease. Therefore, it has been classified as a Variant of Uncertain Significance.

NM_001032386.2(SUOX):c.1441C>T (p.Arg481Cys)

Gene: SUOX (sulfite oxidase; plus strand). Cytogenetic location: 12q13.2.
Variant type: single nucleotide variant.
Coding change: c.1441C>T on transcript NM_001032386.2 (MANE Select); coding-DNA position 1441, C replaced by T.
Protein change: p.Arg481Cys; replaces arginine 481 with cysteine.
Molecular consequence: missense variant.
Genome position (GRCh38, 1-based): chr12:56,004,830, C>T. VCF-style: chr12-56004830-C-T. GRCh37 (hg19) VCF-style: chr12-56398614-C-T.
Other names: c.1441C>T, p.Arg481Cys (NM_000456.3, NM_001032387.2); short protein forms R481C.
Identifiers: ClinVar variation 1026186 (VCV001026186.7), dbSNP rs757904644, ClinGen allele CA6621164.